The following is an entry in ClinVar:

NM_000117.3(EMD):c.396C>T (p.His132=)

Gene: EMD (emerin; plus strand). Cytogenetic location: Xq28.
Variant type: single nucleotide variant.
Coding change: c.396C>T on transcript NM_000117.3 (MANE Select); coding-DNA position 396, C replaced by T.
Protein change: p.His132=; no amino-acid change (histidine 132 retained).
Molecular consequence: synonymous variant.
Genome position (GRCh38, 1-based): chrX:154,380,364, C>T. VCF-style: chrX-154380364-C-T. GRCh37 (hg19) VCF-style: chrX-153608724-C-T.
Identifiers: ClinVar variation 42273 (VCV000042273.36), dbSNP rs145985318, ClinGen allele CA131121.

ClinVar aggregate classification (germline): Benign/Likely benign. Review status: criteria provided, multiple submitters, no conflicts (2 of 4 stars). 14 submissions from 14 submitters: Benign (7); Likely benign (4). 3 of the submissions do not count toward it. Last evaluated 2026-02-04.

Conditions:
EMD-related disorder. Also called: EMD-related condition.
Cardiovascular phenotype. Identifiers: MedGen CN230736.
Cardiomyopathy (CMYO). Also called: Cardiomyopathies. Identifiers: Orphanet 167848, MedGen C0878544, MONDO:0004994, HP:0001638. Inheritance: Various modes of inheritance.
X-linked Emery-Dreifuss muscular dystrophy. Also called: Muscular dystrophy, tardive Emery-Dreifuss type, with contractures. Identifiers: Orphanet 261, Orphanet 98863, MedGen C0751337, MONDO:0010680.

Allele frequency attached by ClinVar (database versions not stated): 1000 Genomes Project 30x 0.00021; 1000 Genomes Project 0.00026; TOPMed 0.00061; ExAC 0.00063; gnomAD 0.00077 and 0.00078; gnomAD exomes 0.00078 and 0.00144; ESP Exome Variant Server 0.00114.
gnomAD v4.1: 1,661 of 1,210,227 alleles (0.14%); highest among the groups gnomAD compares: Non-Finnish European, 0.16%; 1 homozygote.

Submissions (14):

Labcorp Genetics (formerly Invitae), Labcorp
Classification: Benign for X-linked Emery-Dreifuss muscular dystrophy. Last evaluated: 2026-02-04. Review status: criteria provided, single submitter. Criteria: Invitae Variant Classification Sherloc (09022015). Collection method: clinical testing. Allele origin: germline.

Molecular Diagnostic Laboratory for Inherited Cardiovascular Disease, Montreal Heart Institute
Classification: Likely benign. Last evaluated: 2025-04-09. Review status: criteria provided, single submitter. Criteria: ACMG Guidelines, 2015. Collection method: clinical testing. Allele origin: germline. Affected: no.

Blueprint Genetics
Classification: Likely benign. Last evaluated: 2024-09-04. Review status: criteria provided, single submitter. Criteria: ACMG Guidelines, 2015. Collection method: clinical testing. Allele origin: germline.

Fulgent Genetics
Classification: Benign for Emery-Dreifuss muscular dystrophy 1, X-linked. Last evaluated: 2021-09-23. Review status: criteria provided, single submitter. Criteria: ACMG Guidelines, 2015. Collection method: clinical testing. Allele origin: unknown.

Women's Health and Genetics/Laboratory Corporation of America, LabCorp
Classification: Benign. Last evaluated: 2019-01-21. Review status: criteria provided, single submitter. Criteria: LabCorp Variant Classification Summary - May 2015. Collection method: clinical testing. Allele origin: germline.
Comment: Variant summary: EMD c.396C>T alters a non-conserved nucleotide resulting in a synonymous change. 5/5 computational tools predict no significant impact on normal splicing. However, these predictions have yet to be confirmed by functional studies. The variant allele was found at a frequency of 0.00081 in 199766 control chromosomes, including 61 hemizygotes (gnomAD). c.396C>T has been reported in the literature in one individual affected with Dilated Cardiomyopathy and was classified by the authors as likely benign (Pugh_2014). This report does not provide unequivocal conclusions about association of the variant with Cardiomyopathy. To our knowledge, no experimental evidence demonstrating an impact on protein function has been reported. Five ClinVar submissions from clinical diagnostic laboratories (evaluation after 2014) cite the variant as benign. Based on the evidence outlined above, the variant was classified as benign.

Athena Diagnostics
Classification: Benign. Last evaluated: 2017-04-28. Review status: criteria provided, single submitter. Criteria: Athena Diagnostics Criteria. Collection method: clinical testing. Allele origin: germline.

CHEO Genetics Diagnostic Laboratory, Children's Hospital of Eastern Ontario
Classification: Likely benign for Cardiomyopathy. Last evaluated: 2017-04-13. Review status: criteria provided, single submitter. Criteria: ACMG Guidelines, 2015. Collection method: clinical testing. Allele origin: germline. Study: Canadian Open Genetics Repository.

Ambry Genetics
Classification: Benign for Cardiovascular phenotype. Last evaluated: 2017-03-07. Review status: criteria provided, single submitter. Criteria: Ambry Variant Classification Scheme 2023. Collection method: clinical testing. Allele origin: germline.

Eurofins Ntd Llc (ga)
Classification: Benign. Last evaluated: 2016-10-05. Review status: criteria provided, single submitter. Criteria: EGL Classification Definitions 2015. Collection method: clinical testing. Allele origin: germline. Observed: 3 variant alleles, 2 heterozygotes, 1 hemizygote.

GeneDx
Classification: Benign. Last evaluated: 2015-07-02. Review status: criteria provided, single submitter. Criteria: GeneDx Variant Classification (06012015). Collection method: clinical testing. Allele origin: germline. Affected: yes.
Comment: This variant is considered likely benign or benign based on one or more of the following criteria: it is a conservative change, it occurs at a poorly conserved position in the protein, it is predicted to be benign by multiple in silico algorithms, and/or has population frequency not consistent with disease.

Laboratory for Molecular Medicine, Mass General Brigham Personalized Medicine
Classification: Likely benign. Last evaluated: 2009-05-05. Review status: criteria provided, single submitter. Criteria: LMM Criteria. Collection method: clinical testing. Allele origin: germline. Observed: 2 variant alleles.

PreventionGenetics, part of Exact Sciences
Classification: Likely benign for EMD-related condition. Last evaluated: 2024-02-01. Review status: no assertion criteria provided. Collection method: clinical testing. Allele origin: germline. Not counted in ClinVar's aggregate classification.
Comment: This variant is classified as likely benign based on ACMG/AMP sequence variant interpretation guidelines (Richards et al. 2015 PMID: 25741868, with internal and published modifications).

Clinical Genetics DNA and cytogenetics Diagnostics Lab, Erasmus MC, Erasmus Medical Center
Classification: Likely benign. Review status: no assertion criteria provided. Collection method: clinical testing. Allele origin: germline. Affected: yes. Study: VKGL Data-share Consensus. Not counted in ClinVar's aggregate classification.

Clinical Genetics, Academic Medical Center
Classification: Benign. Review status: no assertion criteria provided. Collection method: clinical testing. Allele origin: germline. Affected: yes. Study: VKGL Data-share Consensus. Not counted in ClinVar's aggregate classification.

Literature cited by the submitters: PubMed 24503780 (cited by Women's Health and Genetics/Laboratory Corporation of America, LabCorp).